The following is an entry in ClinVar:

NM_000392.5(ABCC2):c.2743C>T (p.Arg915Cys)

Genes: ABCC2 (ATP binding cassette subfamily C member 2; plus strand), LOC126861012 (BRD4-independent group 4 enhancer GRCh37_chr10:101589748-101590947; plus strand). Cytogenetic location: 10q24.2.
Variant type: single nucleotide variant.
Coding change: c.2743C>T on transcript NM_000392.5 (MANE Select); coding-DNA position 2743, C replaced by T.
Protein change: p.Arg915Cys; replaces arginine 915 with cysteine.
Molecular consequence: missense variant.
Genome position (GRCh38, 1-based): chr10:99,830,429, C>T. VCF-style: chr10-99830429-C-T. GRCh37 (hg19) VCF-style: chr10-101590186-C-T.
Other names: p.Arg915Cys; c.2743C>T, p.Arg915Cys (LRG_1208t1); short protein forms R915C.
Identifiers: ClinVar variation 282329 (VCV000282329.59), dbSNP rs112758556, ClinGen allele CA5643568.

ClinVar aggregate classification (germline): Likely benign. Review status: criteria provided, multiple submitters, no conflicts (2 of 4 stars). 6 submissions from 6 submitters: Likely benign (5). 1 of the submissions does not count toward it. Last evaluated 2025-12-04.

Conditions:
ABCC2-related disorder. Also called: ABCC2-related condition.
Dubin-Johnson syndrome (DJS). Also called: HYPERBILIRUBINEMIA, DUBIN-JOHNSON TYPE; Jaundice, Chronic Idiopathic; Hyperbilirubinemia type 2. Identifiers: Orphanet 234, MedGen C0022350, MONDO:0009380, OMIM 237500.

Allele frequency attached by ClinVar (database versions not stated): gnomAD exomes 0.00037; ExAC 0.00048; 1000 Genomes Project 0.00060; 1000 Genomes Project 30x 0.00078; ESP Exome Variant Server 0.00138; gnomAD 0.00150; TOPMed 0.00156.
gnomAD v4.1: 467 of 1,614,178 alleles (0.029%); highest among the groups gnomAD compares: African/African-American, 0.47%; no homozygotes.

Submissions (6):

Labcorp Genetics (formerly Invitae), Labcorp
Classification: Likely benign. Last evaluated: 2025-12-04. Review status: criteria provided, single submitter. Criteria: Invitae Variant Classification Sherloc (09022015). Collection method: clinical testing. Allele origin: germline.

Mayo Clinic Laboratories, Mayo Clinic
Classification: Likely benign. Last evaluated: 2025-08-12. Review status: criteria provided, single submitter. Criteria: ACMG Guidelines, 2015. Collection method: clinical testing. Allele origin: germline. Observed: 1 variant allele.
Comment: BS1

CeGaT Center for Human Genetics Tuebingen
Classification: Likely benign. Last evaluated: 2018-07-01. Review status: criteria provided, single submitter. Criteria: CeGaT Center For Human Genetics Tuebingen Variant Classification Criteria Version 2. Collection method: clinical testing. Allele origin: germline. Affected: yes. Observed: 2 variant alleles.

Illumina Laboratory Services, Illumina
Classification: Likely benign for Dubin-Johnson syndrome. Last evaluated: 2018-01-13. Review status: criteria provided, single submitter. Criteria: ICSL Variant Classification Criteria 13 December 2019. Collection method: clinical testing. Allele origin: germline.
Comment: This variant was observed in the ICSL laboratory as part of a predisposition screen in an ostensibly healthy population. It had not been previously curated by ICSL or reported in the Human Gene Mutation Database (HGMD: prior to June 1st, 2018), and was therefore a candidate for classification through an automated scoring system. Utilizing variant allele frequency, disease prevalence and penetrance estimates, and inheritance mode, an automated score was calculated to assess if this variant is too frequent to cause the disease. Based on the score and internal cut-off values, a variant classified as likely benign is not then subjected to further curation. The score for this variant resulted in a classification of likely benign for this disease.

Eurofins Ntd Llc (ga)
Classification: Likely benign. Last evaluated: 2015-08-13. Review status: criteria provided, single submitter. Criteria: EGL Classification Definitions 2015. Collection method: clinical testing. Allele origin: germline. Observed: 1 variant allele, 1 heterozygote.

PreventionGenetics, part of Exact Sciences
Classification: Likely benign for ABCC2-related condition. Last evaluated: 2021-03-29. Review status: no assertion criteria provided. Collection method: clinical testing. Allele origin: germline. Not counted in ClinVar's aggregate classification.
Comment: This variant is classified as likely benign based on ACMG/AMP sequence variant interpretation guidelines (Richards et al. 2015 PMID: 25741868, with internal and published modifications).